The following is an entry in ClinVar:

ClinVar aggregate classification (germline): Uncertain significance (1 of 4 stars; one submission).

Submission:

Labcorp Genetics (formerly Invitae), Labcorp
Classification: Uncertain significance. Last evaluated: 2022-07-06. Review status: criteria provided, single submitter. Criteria: Invitae Variant Classification Sherloc (09022015). Collection method: clinical testing. Allele origin: germline.
Comment: In summary, the available evidence is currently insufficient to determine the role of this variant in disease. Therefore, it has been classified as a Variant of Uncertain Significance. Algorithms developed to predict the effect of missense changes on protein structure and function are either unavailable or do not agree on the potential impact of this missense change (SIFT: "Deleterious"; PolyPhen-2: "Probably Damaging"; Align-GVGD: "Class C0"). ClinVar contains an entry for this variant (Variation ID: 1384832). This variant has not been reported in the literature in individuals affected with LRRK1-related conditions. This variant is not present in population databases (gnomAD no frequency). This sequence change replaces arginine, which is basic and polar, with glycine, which is neutral and non-polar, at codon 1305 of the LRRK1 protein (p.Arg1305Gly).

NM_024652.6(LRRK1):c.3913C>G (p.Arg1305Gly)

Genes: LRRK1 (leucine rich repeat kinase 1; plus strand), LRRK1-AS1 (LRRK1 antisense RNA 1; minus strand). Cytogenetic location: 15q26.3.
Variant type: single nucleotide variant.
Coding change: c.3913C>G on transcript NM_024652.6 (MANE Select); coding-DNA position 3913, C replaced by G.
Protein change: p.Arg1305Gly; replaces arginine 1305 with glycine.
Molecular consequence: missense variant.
Genome position (GRCh38, 1-based): chr15:101,053,279, C>G. VCF-style: chr15-101053279-C-G. GRCh37 (hg19) VCF-style: chr15-101593484-C-G.
Other names: short protein forms R1305G.
Identifiers: ClinVar variation 1384832 (VCV001384832.6), dbSNP rs745327307, ClinGen allele CA393953553.